The following is an entry in ClinVar:

ClinVar aggregate classification (germline): Benign/Likely benign. Review status: criteria provided, multiple submitters, no conflicts (2 of 4 stars). 6 submissions from 6 submitters: Benign (3); Likely benign (2). 1 of the submissions does not count toward it. Last evaluated 2026-03-01.

Conditions:
Cardiovascular phenotype. Identifiers: MedGen CN230736.
Long QT syndrome (LQTS). Identifiers: MedGen C0023976, MeSH D008133, MONDO:0002442. Disease mechanism: loss of function. Inheritance: Various modes of inheritance.
ANK2-related disorder. Also called: ANK2-related condition.
Cardiac arrhythmia, ankyrin-B-related. Also called: ANKYRIN-B SYNDROME. Identifiers: Orphanet 101016, Orphanet 768, MedGen C1970119, MONDO:0010958, OMIM 600919.

Allele frequency attached by ClinVar (database versions not stated): gnomAD 0.00012 and 0.00025; gnomAD exomes 0.00015 and 0.00047; TOPMed 0.00028; ExAC 0.00048; 1000 Genomes Project 30x 0.00109; 1000 Genomes Project 0.00140.
gnomAD v4.1: 260 of 1,614,162 alleles (0.016%); highest among the groups gnomAD compares: East Asian, 0.4%; no homozygotes.

Submissions (6):

CeGaT Center for Human Genetics Tuebingen
Classification: Likely benign. Last evaluated: 2026-03-01. Review status: criteria provided, single submitter. Criteria: CeGaT Center For Human Genetics Tuebingen Variant Classification Criteria Version 2. Collection method: clinical testing. Allele origin: germline. Affected: yes. Observed: 1 variant allele.
Comment: ANK2: BP4, BS1

Labcorp Genetics (formerly Invitae), Labcorp
Classification: Benign for Long QT syndrome. Last evaluated: 2025-12-09. Review status: criteria provided, single submitter. Criteria: Invitae Variant Classification Sherloc (09022015). Collection method: clinical testing. Allele origin: germline.

Genome-Nilou Lab
Classification: Benign for Cardiac arrhythmia, ankyrin-B-related. Last evaluated: 2021-12-05. Review status: criteria provided, single submitter. Criteria: ACMG Guidelines, 2015. Collection method: clinical testing. Allele origin: germline. Affected: no.

GeneDx
Classification: Likely benign. Last evaluated: 2021-02-18. Review status: criteria provided, single submitter. Criteria: GeneDx Variant Classification Process June 2021. Collection method: clinical testing. Allele origin: germline. Affected: yes.
Comment: This variant is associated with the following publications: (PMID: 25351510, 23396983)

Ambry Genetics
Classification: Benign for Cardiovascular phenotype. Last evaluated: 2015-09-04. Review status: criteria provided, single submitter. Criteria: Ambry Variant Classification Scheme 2023. Collection method: clinical testing. Allele origin: germline.

PreventionGenetics, part of Exact Sciences
Classification: Benign for ANK2-related condition. Last evaluated: 2020-03-03. Review status: no assertion criteria provided. Collection method: clinical testing. Allele origin: germline. Not counted in ClinVar's aggregate classification.
Comment: This variant is classified as benign based on ACMG/AMP sequence variant interpretation guidelines (Richards et al. 2015 PMID: 25741868, with internal and published modifications).

NM_001148.6(ANK2):c.7117A>G (p.Thr2373Ala)

Genes: ANK2 (ankyrin 2; plus strand), LOC126807137 (CDK7 strongly-dependent group 2 enhancer GRCh37_chr4:114276560-114277759; plus strand). Cytogenetic location: 4q26.
Variant type: single nucleotide variant.
Coding change: c.7117A>G on transcript NM_001148.6 (MANE Select); coding-DNA position 7117, A replaced by G.
Protein change: p.Thr2373Ala; replaces threonine 2373 with alanine.
Molecular consequence: missense variant. On other transcripts: intron variant (68).
Genome position (GRCh38, 1-based): chr4:113,355,735, A>G. VCF-style: chr4-113355735-A-G. GRCh37 (hg19) VCF-style: chr4-114276891-A-G.
Other names: c.6883A>G, p.Thr2295Ala (NM_001386142.1); c.3517A>G, p.Thr1173Ala (NM_001386166.1); c.7258A>G, p.Thr2420Ala (NM_001386174.1); c.7234A>G, p.Thr2412Ala (NM_001386175.1); c.4412-5088A>G (NM_001386186.2, NM_001386148.2); c.4214-5088A>G (NM_001354269.3); c.4292-5088A>G (NM_001386187.2); c.4253-5088A>G (NM_001386147.1); and 35 more; short protein forms T2373A, T1173A, T2295A, T2412A, T2420A.
Identifiers: ClinVar variation 238588 (VCV000238588.23), dbSNP rs184514058, ClinGen allele CA3051534.
Genomic context (GRCh38, chr4:113,355,735, plus strand): 5'-CAACGTACCTTTGGTAGTTCAGCCCACAAGACACAAACTGATAGTGAGGTTCAAGAATCC[A>G]CAGCCACCTCAGACGAGACAAAGGCCTTGCCGCTGCCTGAGGCTTCTGTAAAGACAGATA-3'
Protein context (NP_001139.3, residues 2363-2383): TQTDSEVQES[Thr2373Ala]ATSDETKALP